The following is an entry in ClinVar:

ClinVar aggregate classification (germline): Conflicting classifications of pathogenicity. Review status: criteria provided, conflicting classifications (1 of 4 stars). 2 submissions from 2 submitters: Uncertain significance (1); Benign (1). Last evaluated 2025-05-19.

Conditions:
CHARGE syndrome (CHARGE). Also called: Coloboma, heart anomaly, choanal atresia, retardation, genital and ear anomalies; CHARGE association; Hall-Hittner syndrome; Hittner Hirsch Kreh syndrome; CHARGE ASSOCIATION--COLOBOMA, HEART ANOMALY, CHOANAL ATRESIA, RETARDATION, GENITAL AND EAR ANOMALIES. Identifiers: Orphanet 138, MedGen C0265354, MONDO:0008965.
Inborn genetic diseases. Identifiers: MedGen C0950123, MeSH D030342.

Allele frequency attached by ClinVar (database versions not stated): gnomAD exomes below 0.00001; ExAC 0.00001; gnomAD 0.00001; TOPMed 0.00001.
gnomAD v4.1: 15 of 1,613,828 alleles (0.00093%); highest among the groups gnomAD compares: South Asian, 0.0022%; no homozygotes.

Submissions (2):

Labcorp Genetics (formerly Invitae), Labcorp
Classification: Benign for CHARGE syndrome. Last evaluated: 2025-05-19. Review status: criteria provided, single submitter. Criteria: Invitae Variant Classification Sherloc (09022015). Collection method: clinical testing. Allele origin: germline.

Ambry Genetics
Classification: Uncertain significance for Inborn genetic diseases. Last evaluated: 2017-12-15. Review status: criteria provided, single submitter. Criteria: Ambry Variant Classification Scheme 2023. Collection method: clinical testing. Allele origin: germline.
Comment: The p.P101L variant (also known as c.302C>T), located in coding exon 1 of the CHD7 gene, results from a C to T substitution at nucleotide position 302. The proline at codon 101 is replaced by leucine, an amino acid with similar properties. This amino acid position is well conserved in available vertebrate species. In addition, this alteration is predicted to be tolerated by in silico analysis. Since supporting evidence is limited at this time, the clinical significance of this alteration remains unclear.

NM_017780.4(CHD7):c.302C>T (p.Pro101Leu)

Gene: CHD7 (chromodomain helicase DNA binding protein 7; plus strand). Cytogenetic location: 8q12.2.
Variant type: single nucleotide variant.
Coding change: c.302C>T on transcript NM_017780.4 (MANE Select); coding-DNA position 302, C replaced by T.
Protein change: p.Pro101Leu; replaces proline 101 with leucine.
Molecular consequence: missense variant.
Genome position (GRCh38, 1-based): chr8:60,741,734, C>T. VCF-style: chr8-60741734-C-T. GRCh37 (hg19) VCF-style: chr8-61654293-C-T.
Other names: c.302C>T, p.Pro101Leu (NM_001316690.1); short protein forms P101L.
Identifiers: ClinVar variation 1436286 (VCV001436286.10), dbSNP rs769161426, ClinGen allele CA4759292.